The following is an entry in ClinVar:

NM_000081.4(LYST):c.11400C>T (p.Ala3800=)

Gene: LYST (lysosomal trafficking regulator; minus strand). Cytogenetic location: 1q42.3.
Variant type: single nucleotide variant.
Coding change: c.11400C>T on transcript NM_000081.4 (MANE Select); coding-DNA position 11400, C replaced by T.
Protein change: p.Ala3800=; no amino-acid change (alanine 3800 retained).
Molecular consequence: synonymous variant.
Genome position (GRCh38, 1-based): chr1:235,662,946, G>A on the plus strand (C>T on the coding strand, the complement: LYST is on the minus strand). VCF-style: chr1-235662946-G-A. GRCh37 (hg19) VCF-style: chr1-235826246-G-A.
Other names: p.Ala3800=; c.11400C>T, p.Ala3800= (NM_001301365.1).
Identifiers: ClinVar variation 1656848 (VCV001656848.10), dbSNP rs139199962, ClinGen allele CA1465138.

ClinVar aggregate classification (germline): Likely benign. Review status: criteria provided, multiple submitters, no conflicts (2 of 4 stars). 3 submissions from 3 submitters: Likely benign (3). Last evaluated 2025-12-28.

Conditions:
Chédiak-Higashi syndrome (CHS). Also called: Chediak-Higashi Syndrome. Identifiers: Orphanet 167, MedGen C0007965, MONDO:0008963, OMIM 214500.

Allele frequency attached by ClinVar (database versions not stated): gnomAD exomes 0.00005; ExAC 0.00016; TOPMed 0.00036; gnomAD 0.00037; ESP Exome Variant Server 0.00069; 1000 Genomes Project 30x 0.00109; 1000 Genomes Project 0.00140.
gnomAD v4.1: 127 of 1,539,832 alleles (0.0082%); highest among the groups gnomAD compares: African/African-American, 0.14%; no homozygotes.

Submissions (3):

Labcorp Genetics (formerly Invitae), Labcorp
Classification: Likely benign for Chédiak-Higashi syndrome. Last evaluated: 2025-12-28. Review status: criteria provided, single submitter. Criteria: Invitae Variant Classification Sherloc (09022015). Collection method: clinical testing. Allele origin: germline.

Mayo Clinic Laboratories, Mayo Clinic
Classification: Likely benign. Last evaluated: 2025-09-26. Review status: criteria provided, single submitter. Criteria: ACMG Guidelines, 2015. Collection method: clinical testing. Allele origin: germline. Observed: 1 variant allele.
Comment: BS1, BP4, BP7

Blueprint Genetics
Classification: Likely benign. Last evaluated: 2022-08-30. Review status: criteria provided, single submitter. Criteria: ACMG Guidelines, 2015. Collection method: clinical testing. Allele origin: germline.